The following is an entry in ClinVar:

ClinVar aggregate classification (germline): Benign. Review status: criteria provided, multiple submitters, no conflicts (2 of 4 stars). 3 submissions from 3 submitters: Benign (3). Last evaluated 2026-01-24.

Allele frequency attached by ClinVar (database versions not stated): gnomAD exomes 0.00086 and 0.00217; ExAC 0.00516; 1000 Genomes Project 0.00779; gnomAD 0.00852 and 0.00923; 1000 Genomes Project 30x 0.00937; ESP Exome Variant Server 0.00956; TOPMed 0.01017.
gnomAD v4.1: 2,545 of 1,555,136 alleles (0.16%); highest among the groups gnomAD compares: African/African-American, 3.1%; 36 homozygotes.

Submissions (3):

Labcorp Genetics (formerly Invitae), Labcorp
Classification: Benign. Last evaluated: 2026-01-24. Review status: criteria provided, single submitter. Criteria: Invitae Variant Classification Sherloc (09022015). Collection method: clinical testing. Allele origin: germline.

Mayo Clinic Laboratories, Mayo Clinic
Classification: Benign. Last evaluated: 2023-11-15. Review status: criteria provided, single submitter. Criteria: ACMG Guidelines, 2015. Collection method: clinical testing. Allele origin: germline. Observed: 3 variant alleles.
Comment: BS1, BS2, BP4

Breakthrough Genomics
Classification: Benign. Review status: criteria provided, single submitter. Criteria: ACMG Guidelines, 2015. Collection method: not provided. Allele origin: germline. Inheritance: Autosomal recessive inheritance. Affected: yes.

NM_001388308.1(KIF12):c.1402C>T (p.Arg468Cys)

Gene: KIF12 (kinesin family member 12; minus strand). Cytogenetic location: 9q32.
Variant type: single nucleotide variant.
Coding change: c.1402C>T on transcript NM_001388308.1 (MANE Select); coding-DNA position 1402, C replaced by T.
Protein change: p.Arg468Cys; replaces arginine 468 with cysteine.
Molecular consequence: missense variant.
Genome position (GRCh38, 1-based): chr9:114,093,496, G>A on the plus strand (C>T on the coding strand, the complement: KIF12 is on the minus strand). VCF-style: chr9-114093496-G-A. GRCh37 (hg19) VCF-style: chr9-116855776-G-A.
Other names: p.Arg330Cys; c.988C>T, p.Arg330Cys (NM_138424.2); short protein forms R330C, R468C.
Identifiers: ClinVar variation 778438 (VCV000778438.10), dbSNP rs76303905, ClinGen allele CA5200493.